The following is an entry in ClinVar:

NM_004006.3(DMD):c.3921+271G>C

Gene: DMD (dystrophin; minus strand). Cytogenetic location: Xp21.1.
Variant type: single nucleotide variant.
Coding change: c.3921+271G>C on transcript NM_004006.3 (MANE Select); 271 bases into the intron after coding-DNA position 3921, G replaced by C.
Molecular consequence: intron variant.
Genome position (GRCh38, 1-based): chrX:32,440,909, C>G on the plus strand (G>C on the coding strand, the complement: DMD is on the minus strand). VCF-style: chrX-32440909-C-G. GRCh37 (hg19) VCF-style: chrX-32459026-C-G.
Other names: c.3897+271G>C (NM_000109.4); c.3909+271G>C (NM_004009.3); c.3552+271G>C (NM_004010.3).
Identifiers: ClinVar variation 680910 (VCV000680910.1), dbSNP rs66809536, ClinGen allele CA328026939.

ClinVar aggregate classification (germline): Benign (1 of 4 stars; one submission).

Allele frequency attached by ClinVar (database versions not stated): gnomAD 0.06694 and 0.06950; TOPMed 0.07260; 1000 Genomes Project 0.08609; 1000 Genomes Project 30x 0.08616.
gnomAD v4.1: 7,342 of 110,571 alleles (6.6%); highest among the groups gnomAD compares: African/African-American, 21%; 525 homozygotes.

Submission:

GeneDx
Classification: Benign. Last evaluated: 2018-06-14. Review status: criteria provided, single submitter. Criteria: GeneDx Variant Classification (06012015). Collection method: clinical testing. Allele origin: germline. Affected: yes.
Comment: This variant is considered likely benign or benign based on one or more of the following criteria: it is a conservative change, it occurs at a poorly conserved position in the protein, it is predicted to be benign by multiple in silico algorithms, and/or has population frequency not consistent with disease.